The following is an entry in ClinVar:

NM_000719.7(CACNA1C):c.6091G>A (p.Gly2031Ser)

Genes: CACNA1C (calcium voltage-gated channel subunit alpha1 C; plus strand), CACNA1C-AS1 (CACNA1C antisense RNA 1; minus strand). Cytogenetic location: 12p13.33.
Variant type: single nucleotide variant.
Coding change: c.6091G>A on transcript NM_000719.7 (MANE Select); coding-DNA position 6091, G replaced by A.
Protein change: p.Gly2031Ser; replaces glycine 2031 with serine.
Molecular consequence: missense variant.
Genome position (GRCh38, 1-based): chr12:2,688,753, G>A. VCF-style: chr12-2688753-G-A. GRCh37 (hg19) VCF-style: chr12-2797919-G-A.
Other names: c.6058G>A, p.Gly2020Ser (NM_001129846.2); c.6091G>A, p.Gly2031Ser (NM_001167623.2, NM_001129840.2, NM_001129841.2 and 2 more transcripts); c.6196G>A, p.Gly2066Ser (NM_001167624.3, NM_001129830.3); c.6271G>A, p.Gly2091Ser (NM_001167625.2); c.6340G>A, p.Gly2114Ser (NM_199460.4); c.6340G>A (NM_199460.3); c.6235G>A, p.Gly2079Ser (NM_001129827.2); c.6214G>A, p.Gly2072Ser (NM_001129829.2); and 7 more; short protein forms G2020S, G2028S, G2031S, G2037S, G2039S, G2048S, G2050S, G2051S.
Identifiers: ClinVar variation 1003227 (VCV001003227.13), dbSNP rs1464980383, ClinGen allele CA383385434.

ClinVar aggregate classification (germline): Conflicting classifications of pathogenicity. Review status: criteria provided, conflicting classifications (1 of 4 stars). 4 submissions from 4 submitters: Uncertain significance (3); Likely benign (1). Last evaluated 2026-01-19.

Conditions:
Brugada syndrome 3 (BRGDA3). Identifiers: Orphanet 130, MedGen C2678478, MONDO:0012742, OMIM 611875.
Timothy syndrome (TS). Also called: LONG QT SYNDROME WITH SYNDACTYLY. Identifiers: Orphanet 65283, MedGen C1832916, MeSH C536962, MONDO:0010979, OMIM 601005.
Long QT syndrome 8. Identifiers: MedGen CN260585, MONDO:0032756, OMIM 618447.
Long QT syndrome (LQTS). Identifiers: MedGen C0023976, MeSH D008133, MONDO:0002442. Disease mechanism: loss of function. Inheritance: Various modes of inheritance.
Cardiovascular phenotype. Identifiers: MedGen CN230736.

Allele frequency attached by ClinVar (database versions not stated): gnomAD 0.00001; gnomAD exomes 0.00001; TOPMed 0.00002.
gnomAD v4.1: 16 of 1,570,160 alleles (0.001%); highest among the groups gnomAD compares: African/African-American, 0.0027%; no homozygotes.

Submissions (4):

Labcorp Genetics (formerly Invitae), Labcorp
Classification: Uncertain significance for Long QT syndrome. Last evaluated: 2026-01-19. Review status: criteria provided, single submitter. Criteria: Invitae Variant Classification Sherloc (09022015). Collection method: clinical testing. Allele origin: germline.
Comment: This sequence change replaces glycine, which is neutral and non-polar, with serine, which is neutral and polar, at codon 2031 of the CACNA1C protein (p.Gly2031Ser). The frequency data for this variant in the population databases is considered unreliable, as metrics indicate poor data quality at this position in the gnomAD database. This variant has not been reported in the literature in individuals affected with CACNA1C-related conditions. ClinVar contains an entry for this variant (Variation ID: 1003227). Invitae Evidence Modeling of protein sequence and biophysical properties (such as structural, functional, and spatial information, amino acid conservation, physicochemical variation, residue mobility, and thermodynamic stability) indicates that this missense variant is not expected to disrupt CACNA1C protein function with a negative predictive value of 95%. In summary, the available evidence is currently insufficient to determine the role of this variant in disease. Therefore, it has been classified as a Variant of Uncertain Significance.

Molecular Diagnostic Laboratory for Inherited Cardiovascular Disease, Montreal Heart Institute
Classification: Likely benign. Last evaluated: 2025-07-24. Review status: criteria provided, single submitter. Criteria: ACMG Guidelines, 2015. Collection method: clinical testing. Allele origin: germline. Affected: no.
Comment: BP4, BP5

Fulgent Genetics
Classification: Uncertain significance for Timothy syndrome; Brugada syndrome 3; Long QT syndrome 8. Last evaluated: 2021-11-04. Review status: criteria provided, single submitter. Criteria: ACMG Guidelines, 2015. Collection method: clinical testing. Allele origin: unknown.

Ambry Genetics
Classification: Uncertain significance for Cardiovascular phenotype. Last evaluated: 2021-06-15. Review status: criteria provided, single submitter. Criteria: Ambry Variant Classification Scheme 2023. Collection method: clinical testing. Allele origin: germline.
Comment: The p.G2031S variant (also known as c.6091G>A), located in coding exon 46 of the CACNA1C gene, results from a G to A substitution at nucleotide position 6091. The glycine at codon 2031 is replaced by serine, an amino acid with similar properties. This amino acid position is highly conserved in available vertebrate species. In addition, this alteration is predicted to be tolerated by in silico analysis. Since supporting evidence is limited at this time, the clinical significance of this alteration remains unclear.